The following is an entry in ClinVar:

ClinVar aggregate classification (germline): Uncertain significance (1 of 4 stars; one submission).

Conditions:
Neuronal ceroid lipofuscinosis. Also called: Neuronal Ceroid Lipofuscinoses. Identifiers: Orphanet 216, Orphanet 79263, MedGen C0027877, MONDO:0016295. Disease mechanism: loss of function.

Submission:

Labcorp Genetics (formerly Invitae), Labcorp
Classification: Uncertain significance for Neuronal ceroid lipofuscinosis. Last evaluated: 2021-01-08. Review status: criteria provided, single submitter. Criteria: Invitae Variant Classification Sherloc (09022015). Collection method: clinical testing. Allele origin: germline.
Comment: In summary, the available evidence is currently insufficient to determine the role of this variant in disease. Therefore, it has been classified as a Variant of Uncertain Significance. Algorithms developed to predict the effect of missense changes on protein structure and function are either unavailable or do not agree on the potential impact of this missense change (SIFT: "Tolerated"; PolyPhen-2: "Possibly Damaging"; Align-GVGD: "Class C0"). This variant has not been reported in the literature in individuals with DNAJC5-related conditions. This variant is not present in population databases (ExAC no frequency). This sequence change replaces threonine with proline at codon 71 of the DNAJC5 protein (p.Thr71Pro). The threonine residue is moderately conserved and there is a small physicochemical difference between threonine and proline.

NM_025219.3(DNAJC5):c.211A>C (p.Thr71Pro)

Gene: DNAJC5 (DnaJ heat shock protein family (Hsp40) member C5; plus strand). Cytogenetic location: 20q13.33.
Variant type: single nucleotide variant.
Coding change: c.211A>C on transcript NM_025219.3 (MANE Select); coding-DNA position 211, A replaced by C.
Protein change: p.Thr71Pro; replaces threonine 71 with proline.
Molecular consequence: missense variant.
Genome position (GRCh38, 1-based): chr20:63,929,415, A>C. VCF-style: chr20-63929415-A-C. GRCh37 (hg19) VCF-style: chr20-62560768-A-C.
Other names: short protein forms T71P.
Identifiers: ClinVar variation 1486057 (VCV001486057.8), dbSNP rs2146305478, ClinGen allele CA409716499.